The following is an entry in ClinVar:

ClinVar aggregate classification (germline): Pathogenic. Review status: criteria provided, multiple submitters, no conflicts (2 of 4 stars). 5 submissions from 5 submitters: Pathogenic (4). 1 of the submissions does not count toward it. Last evaluated 2025-08-27.

Conditions:
Syndromic X-linked intellectual disability Najm type (MICPCH). Also called: Intellectual Disability and Microcephaly with Pontine and Cerebellar Hypoplasia; Mental retardation and microcephaly with pontine and cerebellar hypoplasia; MENTAL RETARDATION, X-LINKED, SYNDROMIC, NAJM TYPE; Intellectual Disability and Microcephaly with Pontine and Cerebellar Hypoplasia (MICPCH); MICPCH SYNDROME; Intellectual developmental disorder and microcephaly with pontine and cerebellar hypoplasia. Identifiers: Orphanet 163937, MedGen C2677903, MONDO:0010417, OMIM 300749.
FG syndrome 4 (FGS4). Identifiers: MedGen C1845546, MONDO:0010318, OMIM 300422.

Submissions (5):

Variantyx, Inc.
Classification: Pathogenic for Syndromic X-linked intellectual disability Najm type. Last evaluated: 2025-08-27. Review status: criteria provided, single submitter. Criteria: Variantyx Assertion Criteria 2022. Collection method: clinical testing. Allele origin: maternal. Inheritance: X-linked dominant inheritance. Affected: yes.
Comment: This is a nonsense variant in the CASK gene (OMIM: 300172). Pathogenic variants in this gene have been associated with X-linked intellectual developmental disorder and microcephaly with pontine and cerebellar hypoplasia. This variant introduces a premature termination codon in exon 4 out of 27 and is expected to result in loss of function, which is a known disease mechanism for CASK in this disorder (PMID:21954287, 22452838) (PVS1). This variant has been reported in at least 3 unrelated affected individuals (PMID: 35670295, 21954287, 21735175) (PS4_Moderate) and is absent from control populations (PM2). Based on the current evidence, this variant is classified as pathogenic for X-linked intellectual developmental disorder and microcephaly with pontine and cerebellar hypoplasia.

GeneDx
Classification: Pathogenic. Last evaluated: 2017-09-12. Review status: criteria provided, single submitter. Criteria: GeneDx Variant Classification (06012015). Collection method: clinical testing. Allele origin: germline. Affected: yes.
Comment: The R106X variant is not observed in large population cohorts (Lek et al., 2016). This pathogenic variant is predicted to cause loss of normal protein function either through protein truncation or nonsense-mediated mRNA decay. Furthermore, many downstream nonsense variants have been reported in the Human Gene Mutation Database in association with CASK-related disorders (Stenson et al., 2014). Therefore, the presence R106X is consistent with the diagnosis of a CASK-related disorder in this individual.

Genetic Services Laboratory, University of Chicago
Classification: Pathogenic for Mental retardation and microcephaly with pontine and cerebellar hypoplasia. Last evaluated: 2015-12-01. Review status: criteria provided, single submitter. Criteria: ACMG Guidelines, 2015. Collection method: clinical testing. Allele origin: germline. Affected: yes.

Juno Genomics, Hangzhou Juno Genomics, Inc
Classification: Pathogenic for FG syndrome 4; Syndromic X-linked intellectual disability Najm type. Review status: criteria provided, single submitter. Criteria: ACMG Guidelines, 2015. Collection method: clinical testing. Allele origin: germline.
Comment: Absent from controls (or at extremely low frequency if recessive) in Genome Aggregation Database.;De novo (both maternity and paternity confirmed) in a patient with the disease and no family history.;Null variant in a gene where loss of function (LOF) is a known mechanism of disease.

OMIM
Classification: Pathogenic for INTELLECTUAL DEVELOPMENTAL DISORDER WITH MICROCEPHALY AND PONTINE AND CEREBELLAR HYPOPLASIA. Last evaluated: 2011-11-01. Review status: no assertion criteria provided. Collection method: literature only. Allele origin: germline. Not counted in ClinVar's aggregate classification.

Literature cited by the submitters: PubMed 19165920 (cited by Variantyx, Inc.); PubMed 20029458 (cited by Variantyx, Inc.); PubMed 21954287 (cited by Variantyx, Inc. and OMIM); PubMed 22452838 (cited by Variantyx, Inc.); PubMed 22709267 (cited by Variantyx, Inc.); PubMed 33629417 (cited by Variantyx, Inc.); PubMed 35670295 (cited by Variantyx, Inc.); PubMed 21735175 (cited by Variantyx, Inc.).

NM_001367721.1(CASK):c.316C>T (p.Arg106Ter)

Gene: CASK (calcium/calmodulin dependent serine protein kinase; minus strand). Cytogenetic location: Xp11.4.
Variant type: single nucleotide variant.
Coding change: c.316C>T on transcript NM_001367721.1 (MANE Select); coding-DNA position 316, C replaced by T.
Protein change: p.Arg106Ter; replaces arginine 106 with a stop codon.
Molecular consequence: nonsense.
Genome position (GRCh38, 1-based): chrX:41,745,564, G>A on the plus strand (C>T on the coding strand, the complement: CASK is on the minus strand). VCF-style: chrX-41745564-G-A. GRCh37 (hg19) VCF-style: chrX-41604817-G-A.
Other names: c.316C>T, p.Arg106Ter (NM_001126054.3, NM_001126055.3, NM_001410745.1 and 1 more transcripts); short protein forms R106*.
Identifiers: ClinVar variation 29939 (VCV000029939.11), dbSNP rs387906704, ClinGen allele CA250707.